The following is an entry in ClinVar:

NM_001377299.1(NDUFS2):c.1116+214A>G

Gene: NDUFS2 (NADH:ubiquinone oxidoreductase core subunit S2; plus strand). Cytogenetic location: 1q23.3.
Variant type: single nucleotide variant.
Coding change: c.1116+214A>G on transcript NM_001377299.1 (MANE Select); 214 bases into the intron after coding-DNA position 1116, A replaced by G.
Molecular consequence: intron variant.
Genome position (GRCh38, 1-based): chr1:161,212,694, A>G. VCF-style: chr1-161212694-A-G. GRCh37 (hg19) VCF-style: chr1-161182484-A-G.
Other names: c.1116+214A>G (NM_001377300.1, NM_001377298.1, NM_001377301.1 and 3 more transcripts).
Identifiers: ClinVar variation 678042 (VCV000678042.2), dbSNP rs2501876, ClinGen allele CA10782429.

ClinVar aggregate classification (germline): Benign. Review status: criteria provided, multiple submitters, no conflicts (2 of 4 stars). 2 submissions from 2 submitters: Benign (2). Last evaluated 2018-06-14.

Allele frequency attached by ClinVar (database versions not stated): gnomAD exomes 0.62890; gnomAD 0.69727 and 0.69992; TOPMed 0.72194; 1000 Genomes Project 0.80671; 1000 Genomes Project 30x 0.80700.
gnomAD v4.1: 307,769 of 472,312 alleles (65%); highest among the groups gnomAD compares: African/African-American, 92%; 104,501 homozygotes.

Submissions (2):

GeneDx
Classification: Benign. Last evaluated: 2018-06-14. Review status: criteria provided, single submitter. Criteria: GeneDx Variant Classification (06012015). Collection method: clinical testing. Allele origin: germline. Affected: yes.
Comment: This variant is considered likely benign or benign based on one or more of the following criteria: it is a conservative change, it occurs at a poorly conserved position in the protein, it is predicted to be benign by multiple in silico algorithms, and/or has population frequency not consistent with disease.

Breakthrough Genomics
Classification: Benign. Review status: criteria provided, single submitter. Criteria: ACMG Guidelines, 2015. Collection method: not provided. Allele origin: germline. Inheritance: Autosomal recessive inheritance. Affected: yes.